The following is an entry in ClinVar:

NM_001034850.3(RETREG1):c.709_711del (p.Asp237del)

Gene: RETREG1 (reticulophagy regulator 1; minus strand). Cytogenetic location: 5p15.1.
Variant type: Deletion.
Coding change: c.709_711del on transcript NM_001034850.3 (MANE Select); coding-DNA positions 709 to 711, 3 bases deleted (GAT; older notation c.709_711delGAT).
Protein change: p.Asp237del; deletes aspartic acid 237.
Molecular consequence: inframe deletion.
Genome position (GRCh38, 1-based): chr5:16,478,947-16,478,949, ATC deleted on the plus strand (GAT on the coding strand, the reverse complement: RETREG1 is on the minus strand); deleting any 3 consecutive bases within chr5:16,478,947-16,478,951 gives the same sequence; the c. name uses the placement nearest the transcript's 3' end. VCF-style (leftmost placement, unchanged base first): chr5-16478946-TATC-T. GRCh37 (hg19) VCF-style: chr5-16479055-TATC-T.
Other names: c.286_288del, p.Asp96del (NM_019000.5); short protein forms D237del, D96del.
Identifiers: ClinVar variation 836281 (VCV000836281.9), dbSNP rs765165944, ClinGen allele CA3210356.

ClinVar aggregate classification (germline): Uncertain significance (1 of 4 stars; one submission).

Submission:

Labcorp Genetics (formerly Invitae), Labcorp
Classification: Uncertain significance. Last evaluated: 2019-12-05. Review status: criteria provided, single submitter. Criteria: Invitae Variant Classification Sherloc (09022015). Collection method: clinical testing. Allele origin: germline.
Comment: In summary, the available evidence is currently insufficient to determine the role of this variant in disease. Therefore, it has been classified as a Variant of Uncertain Significance. Experimental studies and prediction algorithms are not available or were not evaluated, and the functional significance of this variant is currently unknown. This variant has not been reported in the literature in individuals with RETREG1-related conditions. This variant is present in population databases (rs765165944, ExAC 0.002%). This variant, c.709_711del, results in the deletion of 1 amino acid(s) of the RETREG1 protein (p.Asp237del), but otherwise preserves the integrity of the reading frame.